The following is an entry in ClinVar:

ClinVar aggregate classification (germline): Benign. Review status: criteria provided, multiple submitters, no conflicts (2 of 4 stars). 2 submissions from 2 submitters: Benign (2). Last evaluated 2018-01-13.

Conditions:
Hermansky-Pudlak syndrome 1 (HPS1). Also called: DELTA STORAGE POOL DISEASE. Identifiers: Orphanet 231500, Orphanet 79430, MedGen C2931875, MONDO:0008748, OMIM 203300.

Allele frequency attached by ClinVar (database versions not stated): gnomAD exomes 0.39888; gnomAD 0.45932 and 0.46210; TOPMed 0.47715; 1000 Genomes Project 30x 0.56730; 1000 Genomes Project 0.57228.
gnomAD v4.1: 70,210 of 152,350 alleles (46%); highest among the groups gnomAD compares: African/African-American, 69%; 18,086 homozygotes.

Submissions (2):

Illumina Laboratory Services, Illumina
Classification: Benign for Hermansky-Pudlak syndrome 1. Last evaluated: 2018-01-13. Review status: criteria provided, single submitter. Criteria: ICSL Variant Classification Criteria 13 December 2019. Collection method: clinical testing. Allele origin: germline.
Comment: This variant was observed in the ICSL laboratory as part of a predisposition screen in an ostensibly healthy population. It had not been previously curated by ICSL or reported in the Human Gene Mutation Database (HGMD: prior to June 1st, 2018), and was therefore a candidate for classification through an automated scoring system. Utilizing variant allele frequency, disease prevalence and penetrance estimates, and inheritance mode, an automated score was calculated to assess if this variant is too frequent to cause the disease. Based on the score and internal cut-off values, a variant classified as benign is not then subjected to further curation. The score for this variant resulted in a classification of benign for this disease.

Breakthrough Genomics
Classification: Benign. Review status: criteria provided, single submitter. Criteria: ACMG Guidelines, 2015. Collection method: not provided. Allele origin: germline. Inheritance: Autosomal recessive inheritance. Affected: yes.

NM_000195.5(HPS1):c.*955A>G

Gene: HPS1 (HPS1 biogenesis of lysosomal organelles complex 3 subunit 1; minus strand). Cytogenetic location: 10q24.2.
Variant type: single nucleotide variant.
Coding change: c.*955A>G on transcript NM_000195.5 (MANE Select); 955 bases downstream of the stop codon, A replaced by G.
Molecular consequence: 3 prime UTR variant.
Genome position (GRCh38, 1-based): chr10:98,416,609, T>C on the plus strand (A>G on the coding strand, the complement: HPS1 is on the minus strand). VCF-style: chr10-98416609-T-C. GRCh37 (hg19) VCF-style: chr10-100176366-T-C.
Other names: c.*955A>G (NM_001311345.2, NM_001322476.2, NM_001322477.2 and 10 more transcripts).
Identifiers: ClinVar variation 298315 (VCV000298315.6), dbSNP rs1737, ClinGen allele CA10636654.